The following is an entry in ClinVar:

ClinVar aggregate classification (germline): Likely pathogenic (1 of 4 stars; one submission).

Conditions:
Autosomal recessive limb-girdle muscular dystrophy type 2J (LGMDR10). Also called: Limb-girdle muscular dystrophy, type 2J; MUSCULAR DYSTROPHY, LIMB-GIRDLE, AUTOSOMAL RECESSIVE 10. Identifiers: Orphanet 140922, MedGen C1837342, MONDO:0012127, OMIM 608807.
Dilated cardiomyopathy 1G (CMD1G). Identifiers: Orphanet 154, MedGen C1858763, MONDO:0011400, OMIM 604145.

Submission:

Labcorp Genetics (formerly Invitae), Labcorp
Classification: Likely pathogenic for Dilated cardiomyopathy 1G; Autosomal recessive limb-girdle muscular dystrophy type 2J. Last evaluated: 2025-12-17. Review status: criteria provided, single submitter. Criteria: Invitae Variant Classification Sherloc (09022015). Collection method: clinical testing. Allele origin: germline.
Comment: This sequence change affects a donor splice site in intron 165 of the TTN gene. It is expected to disrupt RNA splicing and likely results in a truncated or disrupted TTN protein. This variant is not present in population databases (gnomAD no frequency). This variant has not been reported in the literature in individuals affected with TTN-related conditions. ClinVar contains an entry for this variant (Variation ID: 3750787). Algorithms developed to predict the effect of sequence changes on RNA splicing suggest that this variant may disrupt the consensus splice site. This variant is located in the I band of TTN (PMID: 25589632). Truncating variants in this region have been reported in individuals affected with autosomal recessive centronuclear myopathy (PMID: 23975875, internal data). Truncating variants in this region have also been identified in individuals affected with autosomal dominant dilated cardiomyopathy and/or cardio-related conditions (PMID: 27869827, 32964742, internal data). In summary, the currently available evidence indicates that the variant is pathogenic, but additional data are needed to prove that conclusively. Therefore, this variant has been classified as Likely Pathogenic.

Literature cited by the submitters: PubMed 25589632; PubMed 23975875; PubMed 27869827; PubMed 32964742.

NM_001267550.2(TTN):c.36043+2T>C

Gene: TTN (titin; minus strand). Cytogenetic location: 2q31.2.
Variant type: single nucleotide variant.
Coding change: c.36043+2T>C on transcript NM_001267550.2 (MANE Select); the canonical splice donor site of the intron after coding-DNA position 36043, T replaced by C.
Molecular consequence: splice donor variant. On other transcripts: intron variant (5).
Genome position (GRCh38, 1-based): chr2:178,665,375, A>G on the plus strand (T>C on the coding strand, the complement: TTN is on the minus strand). VCF-style: chr2-178665375-A-G. GRCh37 (hg19) VCF-style: chr2-179530102-A-G.
Other names: c.13283-23058T>C (NM_003319.4); c.13859-23058T>C (NM_133437.4); c.13658-23058T>C (NM_133432.3); c.31484-2320T>C (NM_133378.4); c.34265-2320T>C (NM_001256850.1).
Identifiers: ClinVar variation 3750787 (VCV003750787.2).
Genomic context (GRCh38, chr2:178,665,375, plus strand): 5'-CATAGTTTTAAGAGCAGAGGACAGATAATTTCTTCTTCCACATTTGTTCAGAGGTAACGT[A>G]CTTTTCATACGTGGAGTTTCTGGCTCTTCAGGTACATCCTCAAATATTTTCATTTCAGGG-3'